The following is an entry in ClinVar:

NM_018060.4(IARS2):c.1729dup (p.Glu577fs)

Gene: IARS2 (isoleucyl-tRNA synthetase 2, mitochondrial; plus strand). Cytogenetic location: 1q41.
Variant type: Duplication.
Coding change: c.1729dup on transcript NM_018060.4 (MANE Select); coding-DNA position 1729, one base duplicated (G; older notation c.1729dupG).
Protein change: p.Glu577fs; shifts the reading frame from glutamic acid 577.
Molecular consequence: frameshift variant.
Genome position (GRCh38, 1-based): chr1:220,125,325, G duplicated. VCF-style (leftmost placement, unchanged base first): chr1-220125324-A-AG. GRCh37 (hg19) VCF-style: chr1-220298666-A-AG.
Other names: short protein forms E577fs.
Identifiers: ClinVar variation 4705467 (VCV004705467.1).

ClinVar aggregate classification (germline): Pathogenic (1 of 4 stars; one submission).

Submission:

Labcorp Genetics (formerly Invitae), Labcorp
Classification: Pathogenic. Last evaluated: 2025-11-12. Review status: criteria provided, single submitter. Criteria: Invitae Variant Classification Sherloc (09022015). Collection method: clinical testing. Allele origin: germline.
Comment: This sequence change creates a premature translational stop signal (p.Glu577Glyfs*5) in the IARS2 gene. It is expected to result in an absent or disrupted protein product. Loss-of-function variants in IARS2 are known to be pathogenic (PMID: 33327715). This variant is not present in population databases (gnomAD no frequency). This variant has not been reported in the literature in individuals affected with IARS2-related conditions. For these reasons, this variant has been classified as Pathogenic.

Literature cited by the submitters: PubMed 33327715.